The following is an entry in ClinVar:

NM_018662.3(DISC1):c.1977C>T (p.Ala659=)

Genes: DISC1 (DISC1 scaffold protein; plus strand), DISC2 (disrupted in schizophrenia 2; minus strand), TSNAX-DISC1 (TSNAX-DISC1 readthrough (NMD candidate); plus strand). Cytogenetic location: 1q42.2.
Variant type: single nucleotide variant.
Coding change: c.1977C>T on transcript NM_018662.3 (MANE Select); coding-DNA position 1977, C replaced by T.
Protein change: p.Ala659=; no amino-acid change (alanine 659 retained).
Molecular consequence: synonymous variant. On other transcripts: non-coding transcript variant (7), 3 prime UTR variant (3), intron variant (2).
Genome position (GRCh38, 1-based): chr1:231,818,513, C>T. VCF-style: chr1-231818513-C-T. GRCh37 (hg19) VCF-style: chr1-231954259-C-T.
Other names: c.1977C>T, p.Ala659= (NM_001012957.2, NM_001012959.2, NM_001164538.2 and 4 more transcripts); c.2073C>T, p.Ala691= (NM_001164537.2); c.1611C>T, p.Ala537= (NM_001164540.2); c.*134C>T (NM_001164545.2); c.*163C>T (NM_001164548.2, NM_001164556.2); c.1634+47443C>T (NM_001164547.2, NM_001164546.2).
Identifiers: ClinVar variation 3031196 (VCV003031196.2), dbSNP rs781439697, ClinGen allele CA39353302.
Genomic context (GRCh38, chr1:231,818,513, plus strand): 5'-GGGAAGTGTTAAAGAAGATTACAACAGACTGAGAAGAGAAGTGGAGCACCAGGAGACTGC[C>T]TATGGTAGGTAGTGCACAACTGTTCCCCGGCAAGATATTGATGATATTTGTTGTGTTTTG-3'
Protein context (NP_061132.2, residues 649-669): LRREVEHQET[Ala659=]YETSVKENTM

ClinVar aggregate classification (germline): Likely benign (0 of 4 stars; one submission).

Conditions:
DISC1-related disorder. Also called: DISC1-related condition.

Allele frequency attached by ClinVar (database versions not stated): TOPMed 0.00001.
gnomAD v4.1: 9 of 1,614,010 alleles (0.00056%); highest among the groups gnomAD compares: Non-Finnish European, 0.00076%; no homozygotes.

Submission:

PreventionGenetics, part of Exact Sciences
Classification: Likely benign for DISC1-related condition. Last evaluated: 2020-12-09. Review status: no assertion criteria provided. Collection method: clinical testing. Allele origin: germline.
Comment: This variant is classified as likely benign based on ACMG/AMP sequence variant interpretation guidelines (Richards et al. 2015 PMID: 25741868, with internal and published modifications).